The following is an entry in ClinVar:

ClinVar aggregate classification (germline): Uncertain significance (1 of 4 stars; one submission).

Conditions:
Beckwith-Wiedemann syndrome (BWS). Also called: Exomphalos macroglossia gigantism syndrome; EMG SYNDROME. Identifiers: Orphanet 116, MedGen C0004903, MONDO:0007534, OMIM 130650.

Allele frequency attached by ClinVar (database versions not stated): gnomAD exomes below 0.00001.
gnomAD v4.1: 1 of 1,542,266 alleles (0.000065%); highest among the groups gnomAD compares: Non-Finnish European, 0.000087%; no homozygotes.

Submission:

Labcorp Genetics (formerly Invitae), Labcorp
Classification: Uncertain significance for Beckwith-Wiedemann syndrome. Last evaluated: 2023-11-11. Review status: criteria provided, single submitter. Criteria: Invitae Variant Classification Sherloc (09022015). Collection method: clinical testing. Allele origin: germline.
Comment: This sequence change affects the initiator methionine of the CDKN1C mRNA. The next in-frame methionine is located at codon 12. This variant is not present in population databases (gnomAD no frequency). This variant has not been reported in the literature in individuals affected with CDKN1C-related conditions. ClinVar contains an entry for this variant (Variation ID: 939653). In summary, the available evidence is currently insufficient to determine the role of this variant in disease. Therefore, it has been classified as a Variant of Uncertain Significance.

NM_001122630.2(CDKN1C):c.-10-23A>G

Gene: CDKN1C (cyclin dependent kinase inhibitor 1C; minus strand). Cytogenetic location: 11p15.4.
Variant type: single nucleotide variant.
Coding change: c.-10-23A>G on transcript NM_001122630.2 (MANE Select); 23 bases into the intron before 10 bases upstream of the start codon, A replaced by G.
Molecular consequence: intron variant. On other transcripts: missense variant (2), initiator codon variant (2).
Genome position (GRCh38, 1-based): chr11:2,885,489, T>C on the plus strand (A>G on the coding strand, the complement: CDKN1C is on the minus strand). VCF-style: chr11-2885489-T-C. GRCh37 (hg19) VCF-style: chr11-2906719-T-C.
Other names: c.1A>G, p.Met1Val (NM_000076.2, NM_001362474.2); c.-10-23A>G (NM_001362475.2, NM_001122631.2); short protein forms M1V.
Identifiers: ClinVar variation 939653 (VCV000939653.10), dbSNP rs1848984724, ClinGen allele CA379148054.